The following is an entry in ClinVar:

NM_001145026.2(PTPRQ):c.6317A>T (p.Glu2106Val)

Gene: PTPRQ (protein tyrosine phosphatase receptor type Q; plus strand). Cytogenetic location: 12q21.31.
Variant type: single nucleotide variant.
Coding change: c.6317A>T on transcript NM_001145026.2 (MANE Select); coding-DNA position 6317, A replaced by T.
Protein change: p.Glu2106Val; replaces glutamic acid 2106 with valine.
Molecular consequence: missense variant.
Genome position (GRCh38, 1-based): chr12:80,669,131, A>T. VCF-style: chr12-80669131-A-T. GRCh37 (hg19) VCF-style: chr12-81062910-A-T.
Other names: short protein forms E2106V.
Identifiers: ClinVar variation 2430434 (VCV002430434.1), dbSNP rs2541730526, ClinGen allele CA385935956.

ClinVar aggregate classification (germline): Uncertain significance (1 of 4 stars; one submission).

Submission:

GeneDx
Classification: Uncertain significance. Last evaluated: 2022-08-18. Review status: criteria provided, single submitter. Criteria: GeneDx Variant Classification Process June 2021. Collection method: clinical testing. Allele origin: germline. Affected: yes.
Comment: Not observed at significant frequency in large population cohorts (gnomAD); In silico analysis supports that this missense variant has a deleterious effect on protein structure/function; Has not been previously published as pathogenic or benign to our knowledge